The following is an entry in ClinVar:

NM_024408.4(NOTCH2):c.6273C>T (p.Phe2091=)

Gene: NOTCH2 (notch receptor 2; minus strand). Cytogenetic location: 1p12.
Variant type: single nucleotide variant.
Coding change: c.6273C>T on transcript NM_024408.4 (MANE Select); coding-DNA position 6273, C replaced by T.
Protein change: p.Phe2091=; no amino-acid change (phenylalanine 2091 retained).
Molecular consequence: synonymous variant.
Genome position (GRCh38, 1-based): chr1:119,916,449, G>A on the plus strand (C>T on the coding strand, the complement: NOTCH2 is on the minus strand). VCF-style: chr1-119916449-G-A. GRCh37 (hg19) VCF-style: chr1-120459072-G-A.
Identifiers: ClinVar variation 3057537 (VCV003057537.2), dbSNP rs1158134272, ClinGen allele CA420190130.
Genomic context (GRCh38, chr1:119,916,449, plus strand): 5'-GGTACTCTTGGCACTGGGCCGTCTAGACTTCTTGCCCATTGGGGTGTGCTTCAGGCTGAG[G>A]AAAGATCTGTTGGGCCCACAGATGACAGGTGAGAGAGCAGAAGTCAACACGGTGCCTGGA-3'
Protein context (NP_077719.2, residues 2081-2101): SPVICGPNRS[Phe2091=]LSLKHTPMGK

ClinVar aggregate classification (germline): Likely benign (0 of 4 stars; one submission).

Conditions:
NOTCH2-related disorder. Also called: NOTCH2-related condition.

Allele frequency attached by ClinVar (database versions not stated): gnomAD exomes below 0.00001; TOPMed 0.00002.
gnomAD v4.1: 2 of 1,613,694 alleles (0.00012%); highest among the groups gnomAD compares: East Asian, 0.0045%; no homozygotes.

Submission:

PreventionGenetics, part of Exact Sciences
Classification: Likely benign for NOTCH2-related condition. Last evaluated: 2019-02-21. Review status: no assertion criteria provided. Collection method: clinical testing. Allele origin: germline.
Comment: This variant is classified as likely benign based on ACMG/AMP sequence variant interpretation guidelines (Richards et al. 2015 PMID: 25741868, with internal and published modifications).